The following is an entry in ClinVar:

ClinVar aggregate classification (germline): Likely benign. Review status: criteria provided, single submitter (1 of 4 stars). 2 submissions from 2 submitters: Likely benign (1). 1 of the submissions does not count toward it. Last evaluated 2022-12-08.

Conditions:
CPLANE1-related disorder. Also called: CPLANE1-related condition.

Allele frequency attached by ClinVar (database versions not stated): gnomAD 0.00001; gnomAD exomes 0.00001.
gnomAD v4.1: 14 of 1,524,980 alleles (0.00092%); highest among the groups gnomAD compares: Non-Finnish European, 0.0012%; no homozygotes.

Submissions (2):

Labcorp Genetics (formerly Invitae), Labcorp
Classification: Likely benign. Last evaluated: 2022-12-08. Review status: criteria provided, single submitter. Criteria: Invitae Variant Classification Sherloc (09022015). Collection method: clinical testing. Allele origin: germline.

PreventionGenetics, part of Exact Sciences
Classification: Likely benign for CPLANE1-related condition. Last evaluated: 2019-07-10. Review status: no assertion criteria provided. Collection method: clinical testing. Allele origin: germline. Not counted in ClinVar's aggregate classification.
Comment: This variant is classified as likely benign based on ACMG/AMP sequence variant interpretation guidelines (Richards et al. 2015 PMID: 25741868, with internal and published modifications).

NM_001384732.1(CPLANE1):c.861A>T (p.Thr287=)

Gene: CPLANE1 (ciliogenesis and planar polarity effector complex subunit 1; minus strand). Cytogenetic location: 5p13.2.
Variant type: single nucleotide variant.
Coding change: c.861A>T on transcript NM_001384732.1 (MANE Select); coding-DNA position 861, A replaced by T.
Protein change: p.Thr287=; no amino-acid change (threonine 287 retained).
Molecular consequence: synonymous variant.
Genome position (GRCh38, 1-based): chr5:37,238,934, T>A on the plus strand (A>T on the coding strand, the complement: CPLANE1 is on the minus strand). VCF-style: chr5-37238934-T-A. GRCh37 (hg19) VCF-style: chr5-37239036-T-A.
Other names: c.861A>T, p.Thr287= (NM_023073.4).
Identifiers: ClinVar variation 757832 (VCV000757832.9), dbSNP rs555972529, ClinGen allele CA117065602.
Genomic context (GRCh38, chr5:37,238,934, plus strand): 5'-AACCACGGGACTCTTGTTACTACATCCTTTAAGGCTACCACAGAGAGTAACAAAATTCAG[T>A]GTGTTTATAAATAATACCTGAGTTGCCTAGAAAGGAAAAAAAAGACAAGAAAACTATTAA-3'
Protein context (NP_001371661.1, residues 277-297): PKATQVLFIN[Thr287=]LNFVTLCGSL